The following is an entry in ClinVar:

ClinVar aggregate classification (germline): Uncertain significance (1 of 4 stars; one submission).

Conditions:
Hereditary cancer-predisposing syndrome. Also called: Neoplastic Syndromes, Hereditary; Tumor predisposition; Hereditary neoplastic syndrome; Hereditary Cancer Syndrome. Identifiers: Orphanet 140162, MedGen C0027672, MeSH D009386, MONDO:0015356.

Submission:

Ambry Genetics
Classification: Uncertain significance for Hereditary cancer-predisposing syndrome. Last evaluated: 2022-04-12. Review status: criteria provided, single submitter. Criteria: Ambry Variant Classification Scheme 2023. Collection method: clinical testing. Allele origin: germline.
Comment: The c.-6_6dupAGCACCATGTAC alteration is located in the 5' untranslated region (5'UTR) of the FH gene. This alteration consists of a duplication of 12 nucleotides upstream from the first translated codon. Based on insufficient or conflicting evidence, the clinical significance of this alteration remains unclear.

NM_000143.4(FH):c.-6_6dup (p.Tyr2_Arg3insSerThrMetTyr)

Gene: FH (fumarate hydratase; minus strand). Cytogenetic location: 1q43.
Variant type: Duplication.
Coding change: c.-6_6dup on transcript NM_000143.4 (MANE Select); 6 bases upstream of the start codon through coding-DNA position 6, 12 bases duplicated (AGCACCATGTAC).
Protein change: p.Tyr2_Arg3insSerThrMetTyr.
Molecular consequence: inframe insertion, initiator codon variant.
Genome position (GRCh38, 1-based): chr1:241,519,717-241,519,728, GTACATGGTGCT duplicated on the plus strand (AGCACCATGTAC on the coding strand, the reverse complement: FH is on the minus strand); duplicating any 12 consecutive bases within chr1:241,519,717-241,519,729 gives the same sequence; the c. name uses the placement nearest the transcript's 3' end. VCF-style (leftmost placement, unchanged base first): chr1-241519716-G-GGTACATGGTGCT. GRCh37 (hg19) VCF-style: chr1-241683016-G-GGTACATGGTGCT.
Other names: c.-6_6dupAGCACCATGTAC (NM_000143.3).
Identifiers: ClinVar variation 3094869 (VCV003094869.1), dbSNP rs2527345761, ClinGen allele CA2825000941.